The following is an entry in ClinVar:

NM_000709.4(BCKDHA):c.1218C>T (p.Asn406=)

Gene: BCKDHA (branched chain keto acid dehydrogenase E1 subunit alpha; plus strand). Cytogenetic location: 19q13.2.
Variant type: single nucleotide variant.
Coding change: c.1218C>T on transcript NM_000709.4 (MANE Select); coding-DNA position 1218, C replaced by T.
Protein change: p.Asn406=; no amino-acid change (asparagine 406 retained).
Molecular consequence: synonymous variant.
Genome position (GRCh38, 1-based): chr19:41,424,488, C>T. VCF-style: chr19-41424488-C-T. GRCh37 (hg19) VCF-style: chr19-41930393-C-T.
Other names: c.1215C>T, p.Asn405= (NM_001164783.2).
Identifiers: ClinVar variation 2101455 (VCV002101455.4), dbSNP rs2513462289, ClinGen allele CA507560673.
Genomic context (GRCh38, chr19:41,424,488, plus strand): 5'-GTCCCCACAGGTGATGGAGGCCTTTGAGCAGGCCGAGCGGAAGCCCAAACCCAACCCCAA[C>T]CTACTCTTCTCAGACGTGTATCAGGAGATGCCCGCCCAGCTCCGCAAGCAGCAGGAGTCT-3'
Protein context (NP_000700.1, residues 396-416): QAERKPKPNP[Asn406=]LLFSDVYQEM

ClinVar aggregate classification (germline): Uncertain significance (1 of 4 stars; one submission).

Conditions:
Maple syrup urine disease (MSUD). Identifiers: Orphanet 511, MedGen C0024776, MeSH D008375, MONDO:0009563. Disease mechanism: loss of function.

Submission:

Labcorp Genetics (formerly Invitae), Labcorp
Classification: Uncertain significance for Maple syrup urine disease. Last evaluated: 2022-05-21. Review status: criteria provided, single submitter. Criteria: Invitae Variant Classification Sherloc (09022015). Collection method: clinical testing. Allele origin: germline.
Comment: In summary, the available evidence is currently insufficient to determine the role of this variant in disease. Therefore, it has been classified as a Variant of Uncertain Significance. Algorithms developed to predict the effect of sequence changes on RNA splicing suggest that this variant may create or strengthen a splice site. This variant has not been reported in the literature in individuals affected with BCKDHA-related conditions. This variant is not present in population databases (gnomAD no frequency). This sequence change affects codon 406 of the BCKDHA mRNA. It is a 'silent' change, meaning that it does not change the encoded amino acid sequence of the BCKDHA protein.